The following is an entry in ClinVar:

ClinVar aggregate classification (germline): Uncertain significance (1 of 4 stars; one submission).

Conditions:
Hereditary nonpolyposis colorectal neoplasms. Identifiers: MedGen C0009405, MeSH D003123.

Submission:

Labcorp Genetics (formerly Invitae), Labcorp
Classification: Uncertain significance for Hereditary nonpolyposis colorectal neoplasms. Last evaluated: 2018-09-03. Review status: criteria provided, single submitter. Criteria: Invitae Variant Classification Sherloc (09022015). Collection method: clinical testing. Allele origin: germline.
Comment: This sequence change replaces histidine with aspartic acid at codon 785 of the MSH6 protein (p.His785Asp). The histidine residue is weakly conserved and there is a moderate physicochemical difference between histidine and aspartic acid. This variant is not present in population databases (ExAC no frequency). This variant has not been reported in the literature in individuals with MSH6-related disease. Algorithms developed to predict the effect of missense changes on protein structure and function are either unavailable or do not agree on the potential impact of this missense change (SIFT: "Deleterious"; PolyPhen-2: "Benign"; Align-GVGD: "Class C0"). In summary, the available evidence is currently insufficient to determine the role of this variant in disease. Therefore, it has been classified as a Variant of Uncertain Significance.

NM_000179.3(MSH6):c.2353C>G (p.His785Asp)

Gene: MSH6 (mutS homolog 6; plus strand). Cytogenetic location: 2p16.3.
Variant type: single nucleotide variant.
Coding change: c.2353C>G on transcript NM_000179.3 (MANE Select); coding-DNA position 2353, C replaced by G.
Protein change: p.His785Asp; replaces histidine 785 with aspartic acid.
Molecular consequence: missense variant.
Genome position (GRCh38, 1-based): chr2:47,800,336, C>G. VCF-style: chr2-47800336-C-G. GRCh37 (hg19) VCF-style: chr2-48027475-C-G.
Other names: c.1963C>G, p.His655Asp (NM_001281492.2); c.1447C>G, p.His483Asp (NM_001281493.2, NM_001281494.2); short protein forms H483D, H785D, H655D.
Identifiers: ClinVar variation 641281 (VCV000641281.9), dbSNP rs1572726859, ClinGen allele CA346753552.
Genomic context (GRCh38, chr2:47,800,336, plus strand): 5'-TGCCATACTCCTTTTGGTAAGCGGCTCCTAAAGCAATGGCTTTGTGCCCCACTCTGTAAC[C>G]ATTATGCTATTAATGATCGTCTAGATGCCATAGAAGACCTCATGGTTGTGCCTGACAAAA-3'
Protein context (NP_000170.1, residues 775-795): KQWLCAPLCN[His785Asp]YAINDRLDAI